The following is an entry in ClinVar:

ClinVar aggregate classification (germline): Conflicting classifications of pathogenicity. Review status: criteria provided, conflicting classifications (1 of 4 stars). 2 submissions from 2 submitters: Likely pathogenic (1); Uncertain significance (1). Last evaluated 2024-11-04.

Conditions:
Early-infantile DEE. Also called: Ohtahara syndrome; Early infantile epileptic encephalopathy with suppression bursts; Early infantile epileptic encephalopathy. Identifiers: Orphanet 1934, MedGen C0393706, MONDO:0800491.
Developmental and epileptic encephalopathy, 13 (DEE13). Also called: Developmental and Epileptic Encephalopathy (SCN8A-DEE); Early infantile epileptic encephalopathy 13; SCN8A-Related Epilepsy. Identifiers: Orphanet 442835, MedGen C3281191, MONDO:0013801, OMIM 614558.

Submissions (2):

Liao Lab, Guangzhou Medical University
Classification: Likely pathogenic for Developmental and epileptic encephalopathy, 13. Last evaluated: 2024-11-04. Review status: criteria provided, single submitter. Criteria: ACMG Guidelines, 2015. Collection method: clinical testing. Allele origin: de novo. Inheritance: Autosomal dominant inheritance. Affected: yes. Observed: 1 variant allele, 1 heterozygote.

Labcorp Genetics (formerly Invitae), Labcorp
Classification: Uncertain significance for Early-infantile DEE. Last evaluated: 2021-05-21. Review status: criteria provided, single submitter. Criteria: Invitae Variant Classification Sherloc (09022015). Collection method: clinical testing. Allele origin: germline.
Comment: In summary, the available evidence is currently insufficient to determine the role of this variant in disease. Therefore, it has been classified as a Variant of Uncertain Significance. This sequence change replaces valine with alanine at codon 264 of the SCN8A protein (p.Val264Ala). The valine residue is highly conserved and there is a small physicochemical difference between valine and alanine. This variant is not present in population databases (ExAC no frequency). This variant has not been reported in the literature in individuals with SCN8A-related conditions. Algorithms developed to predict the effect of missense changes on protein structure and function are either unavailable or do not agree on the potential impact of this missense change (SIFT: "Deleterious"; PolyPhen-2: "Probably Damaging"; Align-GVGD: "Class C0").

Literature cited by the submitters: PubMed 27559564 (cited by Liao Lab, Guangzhou Medical University).

NM_001330260.2(SCN8A):c.791T>C (p.Val264Ala)

Gene: SCN8A (sodium voltage-gated channel alpha subunit 8; plus strand). Cytogenetic location: 12q13.13.
Variant type: single nucleotide variant.
Coding change: c.791T>C on transcript NM_001330260.2 (MANE Select); coding-DNA position 791, T replaced by C.
Protein change: p.Val264Ala; replaces valine 264 with alanine.
Molecular consequence: missense variant.
Genome position (GRCh38, 1-based): chr12:51,699,654, T>C. VCF-style: chr12-51699654-T-C. GRCh37 (hg19) VCF-style: chr12-52093438-T-C.
Other names: c.791T>C, p.Val264Ala (NM_001177984.3, NM_001369788.1, NM_014191.4); short protein forms V264A.
Identifiers: ClinVar variation 1355892 (VCV001355892.10), dbSNP rs2138735689, ClinGen allele CA385226530.
Genomic context (GRCh38, chr12:51,699,654, plus strand): 5'-TGATTCAGTCTGTGAAGAAACTGTCAGATGTGATGATCCTGACAGTGTTCTGCCTGAGTG[T>C]TTTTGCCTTGATCGGACTGCAGCTGTTCATGGGGAACCTTCGAAACAAGTGTGTTGTGTG-3'
Protein context (NP_001317189.1, residues 254-274): VMILTVFCLS[Val264Ala]FALIGLQLFM